The following is an entry in ClinVar:

ClinVar aggregate classification (germline): Likely pathogenic (1 of 4 stars; one submission).

Conditions:
Pendred syndrome (PDS). Also called: THYROID DYSHORMONOGENESIS 2B; THYROID HORMONOGENESIS, GENETIC DEFECT IN, 2B; DEAFNESS WITH GOITER; GOITER-DEAFNESS SYNDROME; HYPOTHYROIDISM, CONGENITAL, DUE TO DYSHORMONOGENESIS, 2B; Pendred's syndrome. Identifiers: Orphanet 705, MedGen C0271829, MONDO:0010134, OMIM 274600.

Submission:

Myriad Genetics, Inc.
Classification: Likely pathogenic for Pendred syndrome. Last evaluated: 2022-05-18. Review status: criteria provided, single submitter. Criteria: Myriad Women's Health Autosomal Recessive and X-Linked Classification Criteria (2021). Collection method: clinical testing. Allele origin: unknown.
Comment: NM_000441.1(SLC26A4):c.1154dupT(I386Hfs*82) is expected to be pathogenic in the context of Pendred syndrome. This variant is predicted to lead to an abnormal or absent protein product due to the creation of a premature termination codon in SLC26A4, a gene where loss-of-function variants are known to be pathogenic. Please note: this variant was assessed in the context of healthy population screening.

NM_000441.2(SLC26A4):c.1154dup (p.Ile386fs)

Gene: SLC26A4 (solute carrier family 26 member 4; plus strand). Cytogenetic location: 7q22.3.
Variant type: Duplication.
Coding change: c.1154dup on transcript NM_000441.2 (MANE Select); coding-DNA position 1154, one base duplicated (T; older notation c.1154dupT).
Protein change: p.Ile386fs; shifts the reading frame from isoleucine 386.
Molecular consequence: frameshift variant.
Genome position (GRCh38, 1-based): chr7:107,690,128, T duplicated; the last of 2 consecutive T bases (chr7:107,690,127-107,690,128); duplicating either gives the same sequence. VCF-style (leftmost placement, unchanged base first): chr7-107690126-A-AT. GRCh37 (hg19) VCF-style: chr7-107330571-A-AT.
Other names: short protein forms I386fs.
Identifiers: ClinVar variation 1726072 (VCV001726072.2), dbSNP rs2535319274, ClinGen allele CA2580076151.